The following is an entry in ClinVar:

NM_000353.3(TAT):c.657C>A (p.Asn219Lys)

Genes: TAT (tyrosine aminotransferase; minus strand), TAT-AS1 (TAT antisense RNA 1; plus strand), LOC111413029 (BRD4-independent group 4 enhancer GRCh37_chr16:71605697-71606896; plus strand). Cytogenetic location: 16q22.2.
Variant type: single nucleotide variant.
Coding change: c.657C>A on transcript NM_000353.3 (MANE Select); coding-DNA position 657, C replaced by A.
Protein change: p.Asn219Lys; replaces asparagine 219 with lysine.
Molecular consequence: missense variant. On other transcripts: non-coding transcript variant (2).
Genome position (GRCh38, 1-based): chr16:71,572,235, G>T on the plus strand (C>A on the coding strand, the complement: TAT is on the minus strand). VCF-style: chr16-71572235-G-T. GRCh37 (hg19) VCF-style: chr16-71606138-G-T.
Other names: short protein forms N219K.
Identifiers: ClinVar variation 5008111 (VCV005008111.1).

ClinVar aggregate classification (germline): Uncertain significance (1 of 4 stars; one submission).

gnomAD v4.1: 17 of 1,614,102 alleles (0.0011%); highest among the groups gnomAD compares: Non-Finnish European, 0.0014%; no homozygotes.

Submission:

GeneDx
Classification: Uncertain significance. Last evaluated: 2026-09-25. Review status: criteria provided, single submitter. Criteria: GeneDx Variant Classification Process June 2021. Collection method: clinical testing. Allele origin: germline.
Comment: Not observed at significant frequency in large population cohorts (gnomAD); In silico analysis supports that this missense variant has a deleterious effect on protein structure/function; Has not been previously published as pathogenic or benign to our knowledge